The following is an entry in ClinVar:

ClinVar aggregate classification (germline): Uncertain significance. Review status: criteria provided, multiple submitters, no conflicts (2 of 4 stars). 3 submissions from 3 submitters: Uncertain significance (3). Last evaluated 2025-10-13.

Conditions:
Inborn genetic diseases. Identifiers: MedGen C0950123, MeSH D030342.
Myopathy, proximal, and ophthalmoplegia (CMYO6). Also called: INCLUSION BODY MYOPATHY 3, AUTOSOMAL DOMINANT; CONGENITAL MYOPATHY 6 WITH OPHTHALMOPLEGIA; MYOPATHY WITH CONGENITAL JOINT CONTRACTURES, OPHTHALMOPLEGIA, AND RIMMED VACUOLES. Identifiers: Orphanet 363677, Orphanet 79091, MedGen C1854106, MONDO:0011577, OMIM 605637.

Allele frequency attached by ClinVar (database versions not stated): gnomAD 0.00005; ESP Exome Variant Server 0.00008; TOPMed 0.00009; 1000 Genomes Project 0.00020; 1000 Genomes Project 30x 0.00031.
gnomAD v4.1: 38 of 1,614,140 alleles (0.0024%); highest among the groups gnomAD compares: South Asian, 0.021%; no homozygotes.

Submissions (3):

Labcorp Genetics (formerly Invitae), Labcorp
Classification: Uncertain significance for Myopathy, proximal, and ophthalmoplegia. Last evaluated: 2025-10-13. Review status: criteria provided, single submitter. Criteria: Invitae Variant Classification Sherloc (09022015). Collection method: clinical testing. Allele origin: germline.
Comment: This sequence change replaces arginine, which is basic and polar, with cysteine, which is neutral and slightly polar, at codon 1838 of the MYH2 protein (p.Arg1838Cys). This variant is present in population databases (rs368695212, gnomAD 0.02%). This variant has not been reported in the literature in individuals affected with MYH2-related conditions. ClinVar contains an entry for this variant (Variation ID: 1399590). Invitae Evidence Modeling of protein sequence and biophysical properties (such as structural, functional, and spatial information, amino acid conservation, physicochemical variation, residue mobility, and thermodynamic stability) indicates that this missense variant is expected to disrupt MYH2 protein function with a positive predictive value of 80%. In summary, the available evidence is currently insufficient to determine the role of this variant in disease. Therefore, it has been classified as a Variant of Uncertain Significance.

Ambry Genetics
Classification: Uncertain significance for Inborn genetic diseases. Last evaluated: 2024-06-07. Review status: criteria provided, single submitter. Criteria: Ambry Variant Classification Scheme 2023. Collection method: clinical testing. Allele origin: germline.

Revvity Omics, Revvity
Classification: Uncertain significance for Myopathy, proximal, and ophthalmoplegia. Last evaluated: 2023-09-01. Review status: criteria provided, single submitter. Criteria: ACMG Guidelines, 2015. Collection method: clinical testing. Allele origin: germline.

NM_017534.6(MYH2):c.5512C>T (p.Arg1838Cys)

Genes: MYHAS (myosin heavy chain gene cluster antisense RNA; plus strand), MYH2 (myosin heavy chain 2; minus strand). Cytogenetic location: 17p13.1.
Variant type: single nucleotide variant.
Coding change: c.5512C>T on transcript NM_017534.6 (MANE Select); coding-DNA position 5512, C replaced by T.
Protein change: p.Arg1838Cys; replaces arginine 1838 with cysteine.
Molecular consequence: missense variant.
Genome position (GRCh38, 1-based): chr17:10,523,373, G>A on the plus strand (C>T on the coding strand, the complement: MYH2 is on the minus strand). VCF-style: chr17-10523373-G-A. GRCh37 (hg19) VCF-style: chr17-10426690-G-A.
Other names: c.5512C>T, p.Arg1838Cys (NM_001100112.2); c.5512C>T (NM_017534.5); short protein forms R1838C.
Identifiers: ClinVar variation 1399590 (VCV001399590.10), dbSNP rs368695212, ClinGen allele CA8390375.